The following is an entry in ClinVar:

NC_000009.12:g.101435804A>G

Gene: ALDOB (aldolase, fructose-bisphosphate B; minus strand). Cytogenetic location: 9q31.1.
Variant type: single nucleotide variant.
Genome position: GRCh38 VCF-style: chr9-101435804-A-G. GRCh37 (hg19) VCF-style: chr9-104198086-A-G.
Identifiers: ClinVar variation 4982015 (VCV004982015.1).
Genomic context (GRCh38, chr9:101,435,804, plus strand): 5'-GCTGTGGGTGAGGCAGCAGCTGCCAAATAAGACAGATCTTTGGTAGCACACAATTTTTAT[A>G]GACTTCTCATCATGTTTTTTTTTTCCAATATTTGCCCTCCCCTTTCTACCTTGACCTAGT-3'

ClinVar aggregate classification (germline): Likely benign (1 of 4 stars; one submission).

Conditions:
ALDOB-related disorder. Also called: ALDOB-related condition.

Submission:

PreventionGenetics, part of Exact Sciences
Classification: Likely benign for ALDOB-related condition. Last evaluated: 2026-08-11. Review status: criteria provided, single submitter. Criteria: ACMG Guidelines, 2015. Collection method: clinical testing. Allele origin: germline.
Comment: This variant is classified as likely benign based on ACMG/AMP sequence variant interpretation guidelines (Richards et al. 2015 PMID: 25741868, with internal and published modifications).